The following is an entry in ClinVar:

ClinVar aggregate classification (germline): Uncertain significance (1 of 4 stars; one submission).

Conditions:
Multiple endocrine neoplasia, type 1 (MEN1). Also called: MEA I; MEN I; WERMER SYNDROME; Endocrine adenomatosis multiple; MEN 1. Identifiers: Orphanet 652, MedGen C0025267, MeSH D018761, MONDO:0007540, OMIM 131100.

Submission:

Dasa
Classification: Uncertain significance for Multiple endocrine neoplasia, type 1. Last evaluated: 2025-09-27. Review status: criteria provided, single submitter. Criteria: DASA Assertion Criteria. Collection method: clinical testing. Allele origin: germline.
Comment: NM_001370259.2(MEN1):c.1790A>T (p.Asp597Val) is a missense variant that results in the substitution of aspartic acid with valine. This variant is absent from population databases. Computational prediction algorithms are consistent with a deleterious effect. The currently available literature and clinical evidence are not sufficient to establish a definitive association between this variant and the reported condition. Therefore, this variant is classified as a variant of uncertain significance.

NM_001370259.2(MEN1):c.1790A>T (p.Asp597Val)

Gene: MEN1 (menin 1; minus strand). Cytogenetic location: 11q13.1.
Variant type: single nucleotide variant.
Coding change: c.1790A>T on transcript NM_001370259.2 (MANE Select); coding-DNA position 1790, A replaced by T.
Protein change: p.Asp597Val; replaces aspartic acid 597 with valine.
Molecular consequence: missense variant. On other transcripts: non-coding transcript variant (4).
Genome position (GRCh38, 1-based): chr11:64,804,377, T>A on the plus strand (A>T on the coding strand, the complement: MEN1 is on the minus strand). VCF-style: chr11-64804377-T-A. GRCh37 (hg19) VCF-style: chr11-64571849-T-A.
Other names: c.1790A>T, p.Asp597Val (NM_130799.3, NM_001407146.1, NM_001407147.1 and 2 more transcripts); c.1805A>T, p.Asp602Val (NM_130800.3, NM_130801.3, NM_130802.3 and 4 more transcripts); c.1916A>T, p.Asp639Val (NM_001407144.1, NM_001370251.2, NM_001407142.1 and 1 more transcripts); c.1685A>T, p.Asp562Val (NM_001407148.1, NM_001407149.1, NM_001370262.2 and 1 more transcripts); c.1931A>T, p.Asp644Val (NM_001407150.1); c.1811A>T, p.Asp604Val (NM_001407151.1); c.1625A>T, p.Asp542Val (NM_001407152.1); short protein forms D542V, D562V, D597V, D602V, D604V, D639V, D644V.
Identifiers: ClinVar variation 4885633 (VCV004885633.2).